The following is an entry in ClinVar:

NM_138413.4(HOGA1):c.289C>T (p.Arg97Cys)

Gene: HOGA1 (4-hydroxy-2-oxoglutarate aldolase 1; plus strand). Cytogenetic location: 10q24.2.
Variant type: single nucleotide variant.
Coding change: c.289C>T on transcript NM_138413.4 (MANE Select); coding-DNA position 289, C replaced by T.
Protein change: p.Arg97Cys; replaces arginine 97 with cysteine.
Molecular consequence: missense variant. On other transcripts: intron variant (1).
Genome position (GRCh38, 1-based): chr10:97,598,852, C>T. VCF-style: chr10-97598852-C-T. GRCh37 (hg19) VCF-style: chr10-99358609-C-T.
Other names: c.212-3005C>T (NM_001134670.2); short protein forms R97C.
Identifiers: ClinVar variation 31 (VCV000000031.19), dbSNP rs267606762, ClinGen allele CA113814.

ClinVar aggregate classification (germline): Pathogenic/Likely pathogenic. Review status: criteria provided, multiple submitters, no conflicts (2 of 4 stars). 12 submissions from 12 submitters: Pathogenic (5); Likely pathogenic (5). 2 of the submissions do not count toward it. Last evaluated 2025-06-05.

Conditions:
HOGA1-related disorders.
Primary hyperoxaluria type 3. Also called: PH III. Identifiers: Orphanet 416, Orphanet 93600, MedGen C3150878, MONDO:0013327, OMIM 613616. Disease mechanism: loss of function.
HOGA1-related disorder. Also called: HOGA1-related condition.

Allele frequency attached by ClinVar (database versions not stated): gnomAD 0.00002; gnomAD exomes 0.00006; TOPMed 0.00001; ExAC 0.00007.
gnomAD v4.1: 60 of 1,613,990 alleles (0.0037%); highest among the groups gnomAD compares: Middle Eastern, 0.049%; no homozygotes.

Submissions (12):

GeneDx
Classification: Likely pathogenic. Last evaluated: 2025-06-05. Review status: criteria provided, single submitter. Criteria: GeneDx Variant Classification Process June 2021. Collection method: clinical testing. Allele origin: germline. Affected: yes.
Comment: Published functional studies found this variant is associated with reduced protein expression and mislocalization (PMID: 22771891); In silico analysis supports that this missense variant has a deleterious effect on protein structure/function; This variant is associated with the following publications: (PMID: 34426522, 20797690, 36185032, 33350326, 33865885, 34805638, 22771891, 33274618, 36259736)

Natera, Inc.
Classification: Likely pathogenic for Primary hyperoxaluria type III. Last evaluated: 2025-05-26. Review status: criteria provided, single submitter. Criteria: Natera Variant Classification Schema (03/2026). Collection method: clinical testing. Allele origin: germline.
Comment: The c.289C>T variant in HOGA1 is a missense variant predicted to cause substitution of arginine to cysteine at amino acid 97. This variant is rare in the general population with a frequency below the threshold expected for the associated phenotype(s). This variant has been observed in one or more individuals affected with the associated recessive disease, as either homozygous or compound heterozygous with a second variant (PMID: 20797690, 33274618). Additionally, this variant has been observed to segregate in affected family members (PMID: 20797690). Computational prediction algorithms indicate this variant is likely to affect gene or protein function. Given the available evidence, this variant is classified as Likely Pathogenic.

First Genomix Gene Laboratory, Genetic Diagnostics Department
Classification: Pathogenic for Primary hyperoxaluria type 3. Last evaluated: 2025-01-13. Review status: criteria provided, single submitter. Criteria: ACMG Guidelines, 2015. Collection method: clinical testing. Allele origin: germline. Inheritance: Autosomal recessive inheritance. Affected: no. Observed: 1 variant allele.

Blueprint Genetics
Classification: Pathogenic for HOGA1-related disorders. Last evaluated: 2024-11-26. Review status: criteria provided, single submitter. Criteria: ACMG Guidelines, 2015. Collection method: clinical testing. Allele origin: germline. Affected: yes. Observed: 5 variant alleles.

Fulgent Genetics
Classification: Likely pathogenic for Primary hyperoxaluria type 3. Last evaluated: 2024-06-17. Review status: criteria provided, single submitter. Criteria: ACMG Guidelines, 2015. Collection method: clinical testing. Allele origin: germline.

Labcorp Genetics (formerly Invitae), Labcorp
Classification: Pathogenic. Last evaluated: 2024-05-26. Review status: criteria provided, single submitter. Criteria: Invitae Variant Classification Sherloc (09022015). Collection method: clinical testing. Allele origin: germline.
Comment: This sequence change replaces arginine, which is basic and polar, with cysteine, which is neutral and slightly polar, at codon 97 of the HOGA1 protein (p.Arg97Cys). This variant is present in population databases (rs267606762, gnomAD 0.02%). This missense change has been observed in individual(s) with clinical features of HOGA1-related conditions (PMID: 20797690). In at least one individual the data is consistent with being in trans (on the opposite chromosome) from a pathogenic variant. It has also been observed to segregate with disease in related individuals. ClinVar contains an entry for this variant (Variation ID: 31). Advanced modeling of protein sequence and biophysical properties (such as structural, functional, and spatial information, amino acid conservation, physicochemical variation, residue mobility, and thermodynamic stability) has been performed at Invitae for this missense variant, however the output from this modeling did not meet the statistical confidence thresholds required to predict the impact of this variant on HOGA1 protein function. Experimental studies have shown that this missense change affects HOGA1 function (PMID: 22771891). For these reasons, this variant has been classified as Pathogenic.

Laboratory of Medical Genetics, National & Kapodistrian University of Athens
Classification: Pathogenic for Primary hyperoxaluria type 3. Last evaluated: 2024-02-01. Review status: criteria provided, single submitter. Criteria: ACMG Guidelines, 2015. Collection method: curation. Allele origin: germline. Affected: no.

Clinical Biochemistry Laboratory, Health Services Laboratory
Classification: Pathogenic for Primary hyperoxaluria type 3. Last evaluated: 2023-10-27. Review status: criteria provided, single submitter. Criteria: ACMG Guidelines, 2015. Collection method: curation. Allele origin: germline. Affected: yes.
Comment: ACMG: PS3 PM1 PM2 PM3 PP3 PP4

Department of Pathology and Laboratory Medicine, Sinai Health System
Classification: Likely pathogenic for Primary hyperoxaluria type 3. Last evaluated: 2023-07-20. Review status: criteria provided, single submitter. Criteria: ACMG Guidelines, 2015. Collection method: research. Allele origin: germline.

PreventionGenetics, part of Exact Sciences
Classification: Likely pathogenic for HOGA1-related condition. Last evaluated: 2022-09-02. Review status: criteria provided, single submitter. Criteria: ACMG Guidelines, 2015. Collection method: clinical testing. Allele origin: germline.
Comment: The HOGA1 c.289C>T variant is predicted to result in the amino acid substitution p.Arg97Cys. This variant was reported in the compound heterozygous state in at least one individual with primary hyperoxaluria type III (Belostotsky et al. 2010. PubMed ID: 20797690). In addition, a missense variant affecting the same amino acid residue but resulting in a different substitution (p.Arg97His) has been reported in the compound heterozygous state in an individual with primary hyperoxaluria (He et al. 2019. PubMed ID: 30488096). The c.289C>T variant is reported in 0.015% of alleles in individuals of East Asian descent in gnomAD. This variant is interpreted as likely pathogenic.

Counsyl
Classification: Uncertain significance for Primary hyperoxaluria type 3. Last evaluated: 2018-03-23. Review status: no assertion criteria provided. Collection method: clinical testing. Allele origin: unknown. Not counted in ClinVar's aggregate classification.

OMIM
Classification: Pathogenic for HYPEROXALURIA, PRIMARY, TYPE III. Last evaluated: 2010-09-10. Review status: no assertion criteria provided. Collection method: literature only. Allele origin: germline. Not counted in ClinVar's aggregate classification.

Literature cited by the submitters: PubMed 20797690 (cited by 5 submitters); PubMed 33274618 (cited by Natera, Inc. and Clinical Biochemistry Laboratory, Health Services Laboratory); PubMed 22771891 (cited by 3 submitters); PubMed 33865885 (cited by Clinical Biochemistry Laboratory, Health Services Laboratory).